The following is an entry in ClinVar:

ClinVar aggregate classification (germline): Likely benign (1 of 4 stars; one submission).

gnomAD v4.1: 1 of 1,367,306 alleles (0.000073%); highest among the groups gnomAD compares: Non-Finnish European, 0.000098%; no homozygotes.

Submission:

CeGaT Center for Human Genetics Tuebingen
Classification: Likely benign. Last evaluated: 2023-04-01. Review status: criteria provided, single submitter. Criteria: CeGaT Center For Human Genetics Tuebingen Variant Classification Criteria Version 2. Collection method: clinical testing. Allele origin: germline. Affected: yes. Observed: 1 variant allele.
Comment: DST: PM2:Supporting, BP4, BP7

NM_001374736.1(DST):c.414G>A (p.Arg138=)

Gene: DST (dystonin; minus strand). Cytogenetic location: 6p12.1.
Variant type: single nucleotide variant.
Coding change: c.414G>A on transcript NM_001374736.1 (MANE Select); coding-DNA position 414, G replaced by A.
Protein change: p.Arg138=; no amino-acid change (arginine 138 retained).
Molecular consequence: synonymous variant.
Genome position (GRCh38, 1-based): chr6:56,900,424, C>T on the plus strand (G>A on the coding strand, the complement: DST is on the minus strand). VCF-style: chr6-56900424-C-T. GRCh37 (hg19) VCF-style: chr6-56765222-C-T.
Other names: c.414G>A, p.Arg138= (NM_001144769.5, NM_001374722.1); c.441G>A, p.Arg147= (NM_001374734.1).
Identifiers: ClinVar variation 2656681 (VCV002656681.24), dbSNP rs1793543420, ClinGen allele CA450606683.
Genomic context (GRCh38, chr6:56,900,424, plus strand): 5'-AACCACATGATTTGACAGTGAATTTAATATTTTTATAAAAGACAGTTCTCTACTTACAGG[C>T]CTCCTGATTGAAGCACCTTGAACAGAGTGATAAAATTCTGGCTGGACTCGGCTGCTCTTC-3'
Protein context (NP_001361665.1, residues 128-148): YHSVQGASIR[Arg138=]PSSGNASYRC